The following is an entry in ClinVar:

NM_001122681.2(SH3BP2):c.1331C>T (p.Ser444Leu)

Gene: SH3BP2 (SH3 domain binding protein 2; plus strand). Cytogenetic location: 4p16.3.
Variant type: single nucleotide variant.
Coding change: c.1331C>T on transcript NM_001122681.2 (MANE Select); coding-DNA position 1331, C replaced by T.
Protein change: p.Ser444Leu; replaces serine 444 with leucine.
Molecular consequence: missense variant.
Genome position (GRCh38, 1-based): chr4:2,831,660, C>T. VCF-style: chr4-2831660-C-T. GRCh37 (hg19) VCF-style: chr4-2833387-C-T.
Other names: c.1415C>T, p.Ser472Leu (NM_001145855.2); c.1502C>T, p.Ser501Leu (NM_001145856.2); c.1331C>T, p.Ser444Leu (NM_003023.4); short protein forms S444L, S472L, S501L.
Identifiers: ClinVar variation 1057025 (VCV001057025.12), dbSNP rs137947663, ClinGen allele CA2819465.
Genomic context (GRCh38, chr4:2,831,660, plus strand): 5'-GGAGCTTCTCCTTTGAAAAGCCCCGGCAACCCTCACAGGCTGACACTGGCGGGGACGACT[C>T]GGACGAGGACTATGAGAAGGCAAGGCTGAGCGGCAAGCCTGGGTCCCAGTGGCCAGTAGG-3'
Protein context (NP_001116153.1, residues 434-454): PSQADTGGDD[Ser444Leu]DEDYEKVPLP

ClinVar aggregate classification (germline): Uncertain significance. Review status: criteria provided, multiple submitters, no conflicts (2 of 4 stars). 3 submissions from 3 submitters: Uncertain significance (3). Last evaluated 2025-07-19.

Conditions:
Inborn genetic diseases. Identifiers: MedGen C0950123, MeSH D030342.
Fibrous dysplasia of jaw (CRBM). Also called: Cherubism. Identifiers: Orphanet 184, MedGen C0008029, MONDO:0007315, OMIM 118400.

Allele frequency attached by ClinVar (database versions not stated): ExAC 0.00002; gnomAD exomes 0.00004; ESP Exome Variant Server 0.00008.
gnomAD v4.1: 57 of 1,589,464 alleles (0.0036%); highest among the groups gnomAD compares: East Asian, 0.018%; no homozygotes.

Submissions (3):

Labcorp Genetics (formerly Invitae), Labcorp
Classification: Uncertain significance for Fibrous dysplasia of jaw. Last evaluated: 2025-07-19. Review status: criteria provided, single submitter. Criteria: Invitae Variant Classification Sherloc (09022015). Collection method: clinical testing. Allele origin: germline.
Comment: This sequence change replaces serine, which is neutral and polar, with leucine, which is neutral and non-polar, at codon 444 of the SH3BP2 protein (p.Ser444Leu). This variant is present in population databases (rs137947663, gnomAD 0.01%). This variant has not been reported in the literature in individuals affected with SH3BP2-related conditions. ClinVar contains an entry for this variant (Variation ID: 1057025). Invitae Evidence Modeling of protein sequence and biophysical properties (such as structural, functional, and spatial information, amino acid conservation, physicochemical variation, residue mobility, and thermodynamic stability) indicates that this missense variant is not expected to disrupt SH3BP2 protein function with a negative predictive value of 95%. In summary, the available evidence is currently insufficient to determine the role of this variant in disease. Therefore, it has been classified as a Variant of Uncertain Significance.

Ambry Genetics
Classification: Uncertain significance for Inborn genetic diseases. Last evaluated: 2022-08-02. Review status: criteria provided, single submitter. Criteria: Ambry Variant Classification Scheme 2023. Collection method: clinical testing. Allele origin: germline.

Mayo Clinic Laboratories, Mayo Clinic
Classification: Uncertain significance. Last evaluated: 2020-06-17. Review status: criteria provided, single submitter. Criteria: ACMG Guidelines, 2015. Collection method: clinical testing. Allele origin: germline. Observed: 1 variant allele.